The following is an entry in ClinVar:

ClinVar aggregate classification (germline): Likely benign (0 of 4 stars; one submission).

Conditions:
NRP1-related disorder. Also called: NRP1-related condition.

Submission:

PreventionGenetics, part of Exact Sciences
Classification: Likely benign for NRP1-related condition. Last evaluated: 2024-05-31. Review status: no assertion criteria provided. Collection method: clinical testing. Allele origin: germline.
Comment: This variant is classified as likely benign based on ACMG/AMP sequence variant interpretation guidelines (Richards et al. 2015 PMID: 25741868, with internal and published modifications).

NM_003873.7(NRP1):c.2748A>G (p.Thr916=)

Gene: NRP1 (neuropilin 1; minus strand). Cytogenetic location: 10p11.22.
Variant type: single nucleotide variant.
Coding change: c.2748A>G on transcript NM_003873.7 (MANE Select); coding-DNA position 2748, A replaced by G.
Protein change: p.Thr916=; no amino-acid change (threonine 916 retained).
Molecular consequence: synonymous variant. On other transcripts: non-coding transcript variant (1).
Genome position (GRCh38, 1-based): chr10:33,180,100, T>C on the plus strand (A>G on the coding strand, the complement: NRP1 is on the minus strand). VCF-style: chr10-33180100-T-C. GRCh37 (hg19) VCF-style: chr10-33469028-T-C.
Other names: c.2730A>G, p.Thr910= (NM_001244972.2); c.2727A>G, p.Thr909= (NM_001244973.2); c.2697A>G, p.Thr899= (NM_001330068.2).
Identifiers: ClinVar variation 3344087 (VCV003344087.1).